The following is an entry in ClinVar:

NM_003743.5(NCOA1):c.1903C>G (p.Gln635Glu)

Gene: NCOA1 (nuclear receptor coactivator 1; plus strand). Cytogenetic location: 2p23.3.
Variant type: single nucleotide variant.
Coding change: c.1903C>G on transcript NM_003743.5 (MANE Select); coding-DNA position 1903, C replaced by G.
Protein change: p.Gln635Glu; replaces glutamine 635 with glutamic acid.
Molecular consequence: missense variant.
Genome position (GRCh38, 1-based): chr2:24,707,373, C>G. VCF-style: chr2-24707373-C-G. GRCh37 (hg19) VCF-style: chr2-24930242-C-G.
Other names: c.1903C>G, p.Gln635Glu (NM_001362950.1, NM_001362952.1, NM_001362954.1 and 3 more transcripts); short protein forms Q635E.
Identifiers: ClinVar variation 3346802 (VCV003346802.1).

ClinVar aggregate classification (germline): Uncertain significance (0 of 4 stars; one submission).

Conditions:
NCOA1-related disorder. Also called: NCOA1-related condition.

Submission:

PreventionGenetics, part of Exact Sciences
Classification: Uncertain significance for NCOA1-related condition. Last evaluated: 2024-04-25. Review status: no assertion criteria provided. Collection method: clinical testing. Allele origin: germline.
Comment: The NCOA1 c.1903C>G variant is predicted to result in the amino acid substitution p.Gln635Glu. To our knowledge, this variant has not been reported in the literature or in a large population database, indicating this variant is rare. At this time, the clinical significance of this variant is uncertain due to the absence of conclusive functional and genetic evidence.